The following is an entry in ClinVar:

ClinVar aggregate classification (germline): Likely benign. Review status: criteria provided, multiple submitters, no conflicts (2 of 4 stars). 6 submissions from 6 submitters: Likely benign (4). 2 of the submissions do not count toward it. Last evaluated 2026-02-01.

Conditions:
LPL-related disorder. Also called: LPL-related condition.
Cardiovascular phenotype. Identifiers: MedGen CN230736.
Hyperlipoproteinemia, type I. Also called: Lipoprotein Lipase Deficiency; Familial hyperlipo-proteinemia type 1; Hyperlipemia essential familial; HYPERLIPOPROTEINEMIA, TYPE IA; LPL DEFICIENCY; Lipase D deficiency. Identifiers: Orphanet 309015, Orphanet 444490, MedGen C0023817, MONDO:0009387, OMIM 238600. Disease mechanism: loss of function.

Allele frequency attached by ClinVar (database versions not stated): ExAC 0.00002; gnomAD exomes 0.00004 and 0.00015; gnomAD 0.00034; TOPMed 0.00048.
gnomAD v4.1: 113 of 1,614,050 alleles (0.007%); highest among the groups gnomAD compares: Admixed American, 0.18%; 1 homozygote.

Submissions (6):

Labcorp Genetics (formerly Invitae), Labcorp
Classification: Likely benign. Last evaluated: 2026-02-01. Review status: criteria provided, single submitter. Criteria: Invitae Variant Classification Sherloc (09022015). Collection method: clinical testing. Allele origin: germline.

Women's Health and Genetics/Laboratory Corporation of America, LabCorp
Classification: Likely benign. Last evaluated: 2024-07-27. Review status: criteria provided, single submitter. Criteria: LabCorp Variant Classification Summary - May 2015. Collection method: clinical testing. Allele origin: germline.

Blueprint Genetics
Classification: Likely benign. Last evaluated: 2022-08-11. Review status: criteria provided, single submitter. Criteria: ACMG Guidelines, 2015. Collection method: clinical testing. Allele origin: germline.

Ambry Genetics
Classification: Likely benign for Cardiovascular phenotype. Last evaluated: 2021-11-02. Review status: criteria provided, single submitter. Criteria: Ambry Variant Classification Scheme 2023. Collection method: clinical testing. Allele origin: germline.

PreventionGenetics, part of Exact Sciences
Classification: Likely benign for LPL-related condition. Last evaluated: 2021-03-09. Review status: no assertion criteria provided. Collection method: clinical testing. Allele origin: germline. Not counted in ClinVar's aggregate classification.
Comment: This variant is classified as likely benign based on ACMG/AMP sequence variant interpretation guidelines (Richards et al. 2015 PMID: 25741868, with internal and published modifications).

Natera, Inc.
Classification: Benign for Lipoprotein lipase deficiency. Last evaluated: 2020-02-03. Review status: no assertion criteria provided. Collection method: clinical testing. Allele origin: germline. Not counted in ClinVar's aggregate classification.

NM_000237.3(LPL):c.798C>T (p.Cys266=)

Gene: LPL (lipoprotein lipase; plus strand). Cytogenetic location: 8p21.3.
Variant type: single nucleotide variant.
Coding change: c.798C>T on transcript NM_000237.3 (MANE Select); coding-DNA position 798, C replaced by T.
Protein change: p.Cys266=; no amino-acid change (cysteine 266 retained).
Molecular consequence: synonymous variant.
Genome position (GRCh38, 1-based): chr8:19,955,863, C>T. VCF-style: chr8-19955863-C-T. GRCh37 (hg19) VCF-style: chr8-19813374-C-T.
Identifiers: ClinVar variation 718874 (VCV000718874.16), dbSNP rs118204082, ClinGen allele CA4655537.
Genomic context (GRCh38, chr8:19,955,863, plus strand): 5'-CTGCCGAGATACAATCTTGGTGTCTCTTTTTTACCCAGATGTGGACCAGCTAGTGAAGTG[C>T]TCCCACGAGCGCTCCATTCATCTCTTCATCGACTCTCTGTTGAATGAAGAAAATCCAAGT-3'
Protein context (NP_000228.1, residues 256-276): GLGDVDQLVK[Cys266=]SHERSIHLFI